The following is an entry in ClinVar:

NM_000455.5(STK11):c.119G>A (p.Arg40His)

Gene: STK11 (serine/threonine kinase 11; plus strand). Cytogenetic location: 19p13.3.
Variant type: single nucleotide variant.
Coding change: c.119G>A on transcript NM_000455.5 (MANE Select); coding-DNA position 119, G replaced by A.
Protein change: p.Arg40His; replaces arginine 40 with histidine.
Molecular consequence: missense variant.
Genome position (GRCh38, 1-based): chr19:1,207,032, G>A. VCF-style: chr19-1207032-G-A. GRCh37 (hg19) VCF-style: chr19-1207031-G-A.
Other names: c.119G>A, p.Arg40His (NM_001407255.1); short protein forms R40H.
Identifiers: ClinVar variation 1746906 (VCV001746906.2), dbSNP rs1288190366, ClinGen allele CA402943946.

ClinVar aggregate classification (germline): Uncertain significance (1 of 4 stars; one submission).

Conditions:
Hereditary cancer-predisposing syndrome. Also called: Hereditary Cancer Syndrome; Neoplastic Syndromes, Hereditary; Tumor predisposition; Hereditary neoplastic syndrome. Identifiers: Orphanet 140162, MedGen C0027672, MeSH D009386, MONDO:0015356.

Allele frequency attached by ClinVar (database versions not stated): TOPMed below 0.00001; gnomAD 0.00001.
gnomAD v4.1: 1 of 1,613,684 alleles (0.000062%); highest among the groups gnomAD compares: Non-Finnish European, 0.000085%; no homozygotes.

Submission:

Ambry Genetics
Classification: Uncertain significance for Hereditary cancer-predisposing syndrome. Last evaluated: 2021-08-27. Review status: criteria provided, single submitter. Criteria: Ambry Variant Classification Scheme 2023. Collection method: clinical testing. Allele origin: germline.
Comment: The p.R40H variant (also known as c.119G>A), located in coding exon 1 of the STK11 gene, results from a G to A substitution at nucleotide position 119. The arginine at codon 40 is replaced by histidine, an amino acid with highly similar properties. This alteration was observed with an allele frequency of 0.00014 in 7051 unselected female breast cancer patients and was not observed in 11241 female controls of Japanese ancestry, 53 unselected male breast cancer patients, or 12490 male controls of Japanese ancestry (Momozawa Y et al. Nat Commun, 2018 10;9:4083). This amino acid position is highly conserved in available vertebrate species. In addition, the in silico prediction for this alteration is inconclusive. Since supporting evidence is limited at this time, the clinical significance of this alteration remains unclear.

Literature cited by the submitters: PubMed 30287823.